The following is an entry in ClinVar:

ClinVar aggregate classification (germline): other (0 of 4 stars; one submission).

Conditions:
Familial colorectal cancer. Identifiers: MedGen CN280943, MONDO:0023113. Disease mechanism: loss of function.

Allele frequency attached by ClinVar (database versions not stated): gnomAD 0.25827 and 0.27132; TOPMed 0.28518; 1000 Genomes Project 30x 0.34197; gnomAD exomes 0.34638; 1000 Genomes Project 0.34764.
gnomAD v4.1: 60,745 of 207,972 alleles (29%); highest among the groups gnomAD compares: East Asian, 63%; 10,892 homozygotes.

Submission:

Systems Biology Platform Zhejiang California International NanoSystems Institute
Classification: other for Familial colorectal cancer. Review status: no assertion criteria provided. Collection method: not provided. Allele origin: unknown.
ClinVar note: Converted during submission from cancer to other.

NM_000038.6(APC):c.835-5075A>G

Gene: APC (APC regulator of WNT signaling pathway; plus strand). Cytogenetic location: 5q22.2.
Variant type: single nucleotide variant.
Coding change: c.835-5075A>G on transcript NM_000038.6 (MANE Select); 5075 bases into the intron before coding-DNA position 835, A replaced by G.
Molecular consequence: intron variant.
Genome position (GRCh38, 1-based): chr5:112,810,420, A>G. VCF-style: chr5-112810420-A-G. GRCh37 (hg19) VCF-style: chr5-112146117-A-G.
Other names: c.835-5075A>G (NM_001354895.2, NM_001127510.3, NM_001354896.2 and 1 more transcripts); c.865-5075A>G (NM_001354897.2, NM_001354902.2); c.781-5075A>G (NM_001127511.3); c.760-5075A>G (NM_001354898.2, NM_001354904.2); c.-16+109A>G (NM_001354906.2); c.751-5075A>G (NM_001354899.2); c.658-5075A>G (NM_001354900.2, NM_001354901.2, NM_001354905.2).
Identifiers: ClinVar variation 83080 (VCV000083080.2), dbSNP rs454886, ClinGen allele CA015263.